The following is an entry in ClinVar:

ClinVar aggregate classification (germline): Uncertain significance. Review status: criteria provided, multiple submitters, no conflicts (2 of 4 stars). 3 submissions from 3 submitters: Uncertain significance (3). Last evaluated 2026-08-01.

Conditions:
Inborn genetic diseases. Identifiers: MedGen C0950123, MeSH D030342.
Spastic paraplegia. Identifiers: MedGen C0037772, HP:0001258.

Allele frequency attached by ClinVar (database versions not stated): gnomAD exomes 0.00004; ExAC 0.00006; TOPMed 0.00006; gnomAD 0.00009.
gnomAD v4.1: 79 of 1,614,226 alleles (0.0049%); highest among the groups gnomAD compares: East Asian, 0.011%; no homozygotes.

Submissions (3):

CeGaT Center for Human Genetics Tuebingen
Classification: Uncertain significance. Last evaluated: 2026-08-01. Review status: criteria provided, single submitter. Criteria: CeGaT Center For Human Genetics Tuebingen Variant Classification Criteria Version 2. Collection method: clinical testing. Allele origin: germline. Affected: yes. Observed: 2 variant alleles.
Comment: ZFYVE26: PM2

Ambry Genetics
Classification: Uncertain significance for Inborn genetic diseases. Last evaluated: 2025-11-13. Review status: criteria provided, single submitter. Criteria: Ambry Variant Classification Scheme 2023. Collection method: clinical testing. Allele origin: germline.

Labcorp Genetics (formerly Invitae), Labcorp
Classification: Uncertain significance for Spastic paraplegia. Last evaluated: 2025-09-07. Review status: criteria provided, single submitter. Criteria: Invitae Variant Classification Sherloc (09022015). Collection method: clinical testing. Allele origin: germline.
Comment: This sequence change replaces arginine, which is basic and polar, with histidine, which is basic and polar, at codon 998 of the ZFYVE26 protein (p.Arg998His). This variant is present in population databases (rs137898956, gnomAD 0.02%). This variant has not been reported in the literature in individuals affected with ZFYVE26-related conditions. ClinVar contains an entry for this variant (Variation ID: 2570885). An algorithm developed to predict the effect of missense changes on protein structure and function (PolyPhen-2) suggests that this variant is likely to be disruptive. In summary, the available evidence is currently insufficient to determine the role of this variant in disease. Therefore, it has been classified as a Variant of Uncertain Significance.

NM_015346.4(ZFYVE26):c.2993G>A (p.Arg998His)

Gene: ZFYVE26 (zinc finger FYVE-type containing 26; minus strand). Cytogenetic location: 14q24.1.
Variant type: single nucleotide variant.
Coding change: c.2993G>A on transcript NM_015346.4 (MANE Select); coding-DNA position 2993, G replaced by A.
Protein change: p.Arg998His; replaces arginine 998 with histidine.
Molecular consequence: missense variant.
Genome position (GRCh38, 1-based): chr14:67,789,361, C>T on the plus strand (G>A on the coding strand, the complement: ZFYVE26 is on the minus strand). VCF-style: chr14-67789361-C-T. GRCh37 (hg19) VCF-style: chr14-68256078-C-T.
Other names: c.2993G>A (NM_015346.3); short protein forms R998H.
Identifiers: ClinVar variation 2570885 (VCV002570885.28), dbSNP rs137898956, ClinGen allele CA7240135.
Genomic context (GRCh38, chr14:67,789,361, plus strand): 5'-GAATGAAGGGATACAGCTAACACAGCACACTCACCCCGCCTTTCAAGGCTACTATTCAAA[C>T]GCCGTTCGGCTGTCTCCAAAAGCTGCTTGCAGGTTTTCCAGAGCTGGCACTGAGAGCAAG-3'
Protein context (NP_056161.2, residues 988-1008): CKQLLETAER[Arg998His]LNSSLERRGR